The following is an entry in ClinVar:

ClinVar aggregate classification (germline): Pathogenic (1 of 4 stars; one submission).

Conditions:
X-linked severe congenital neutropenia (SCNX). Identifiers: Orphanet 86788, MedGen C1845987, MONDO:0010294, OMIM 300299.
Thrombocytopenia 1. Also called: THROMBOCYTOPENIA, X-LINKED, 1; X-Linked Thrombocytopenia (XLT); X-linked thrombocytopenia with normal platelets. Identifiers: Orphanet 268322, Orphanet 852, MedGen C1839163, MONDO:0010743, OMIM 313900.
Wiskott-Aldrich syndrome (WAS). Also called: ALDRICH SYNDROME; IMMUNODEFICIENCY 2; Wiskott-aldrich syndrome, somatic; WISKOTT-ALDRICH SYNDROME 1. Identifiers: Orphanet 906, MedGen C0043194, MONDO:0010518, OMIM 301000.

Submission:

Labcorp Genetics (formerly Invitae), Labcorp
Classification: Pathogenic for Wiskott-Aldrich syndrome; X-linked severe congenital neutropenia; X-linked thrombocytopenia with normal platelets. Last evaluated: 2019-02-07. Review status: criteria provided, single submitter. Criteria: Invitae Variant Classification Sherloc (09022015). Collection method: clinical testing. Allele origin: germline.
Comment: This sequence change creates a premature translational stop signal (p.Arg268Leufs*21) in the WAS gene. It is expected to result in an absent or disrupted protein product. This variant is not present in population databases (ExAC no frequency). This variant has not been reported in the literature in individuals with WAS-related conditions. Loss-of-function variants in WAS are known to be pathogenic (PMID: 15284122). For these reasons, this variant has been classified as Pathogenic.

NM_000377.3(WAS):c.803delinsTT (p.Arg268fs)

Gene: WAS (WASP actin nucleation promoting factor; plus strand). Cytogenetic location: Xp11.23.
Variant type: Indel.
Coding change: c.803delinsTT on transcript NM_000377.3 (MANE Select); coding-DNA position 803, G replaced by TT.
Protein change: p.Arg268fs; shifts the reading frame from arginine 268.
Molecular consequence: frameshift variant.
Genome position (GRCh38, 1-based): chrX:48,688,325, G replaced by TT. VCF-style: chrX-48688325-G-TT. GRCh37 (hg19) VCF-style: chrX-48546714-G-TT.
Other names: short protein forms R268fs.
Identifiers: ClinVar variation 652576 (VCV000652576.2), dbSNP rs1602178952, ClinGen allele CA915951086.